The following is an entry in ClinVar:

NM_000038.6(APC):c.6091A>T (p.Ser2031Cys)

Gene: APC (APC regulator of Wnt signaling pathway; plus strand). Cytogenetic location: 5q22.2.
Variant type: single nucleotide variant.
Coding change: c.6091A>T on transcript NM_000038.6 (MANE Select); coding-DNA position 6091, A replaced by T.
Protein change: p.Ser2031Cys; replaces serine 2031 with cysteine.
Molecular consequence: missense variant.
Genome position (GRCh38, 1-based): chr5:112,841,685, A>T. VCF-style: chr5-112841685-A-T. GRCh37 (hg19) VCF-style: chr5-112177382-A-T.
Other names: c.6091A>T, p.Ser2031Cys (NM_001127510.3, NM_001354895.2, NM_001407450.1); c.6037A>T, p.Ser2013Cys (NM_001127511.3); c.6145A>T, p.Ser2049Cys (NM_001354896.2, NM_001407447.1, NM_001407448.1 and 1 more transcripts); c.6121A>T, p.Ser2041Cys (NM_001354897.2); c.6016A>T, p.Ser2006Cys (NM_001354898.2); c.6007A>T, p.Ser2003Cys (NM_001354899.2); c.5968A>T, p.Ser1990Cys (NM_001354900.2); c.5914A>T, p.Ser1972Cys (NM_001354901.2, NM_001407453.1); and 11 more; short protein forms S1930C, S1940C, S1990C, S2013C, S2024C, S2031C, S1748C, S1948C.
Identifiers: ClinVar variation 1751511 (VCV001751511.2), dbSNP rs1554087202, ClinGen allele CA16034663.

ClinVar aggregate classification (germline): Uncertain significance (1 of 4 stars; one submission).

Conditions:
Hereditary cancer-predisposing syndrome. Also called: Hereditary Cancer Syndrome; Hereditary neoplastic syndrome; Neoplastic Syndromes, Hereditary; Tumor predisposition. Identifiers: Orphanet 140162, MedGen C0027672, MeSH D009386, MONDO:0015356.

Submission:

Ambry Genetics
Classification: Uncertain significance for Hereditary cancer-predisposing syndrome. Last evaluated: 2022-01-19. Review status: criteria provided, single submitter. Criteria: Ambry Variant Classification Scheme 2023. Collection method: clinical testing. Allele origin: germline.
Comment: The p.S2031C variant (also known as c.6091A>T), located in coding exon 15 of the APC gene, results from an A to T substitution at nucleotide position 6091. The serine at codon 2031 is replaced by cysteine, an amino acid with dissimilar properties. This amino acid position is conserved. In addition, in silico predictors for this gene do not accurately predict pathogenicity. Since supporting evidence is limited at this time, the clinical significance of this alteration remains unclear.